The following is an entry in ClinVar:

NM_001372.4(DNAH9):c.12446G>C (p.Gly4149Ala)

Gene: DNAH9 (dynein axonemal heavy chain 9; plus strand). Cytogenetic location: 17p12.
Variant type: single nucleotide variant.
Coding change: c.12446G>C on transcript NM_001372.4 (MANE Select); coding-DNA position 12446, G replaced by C.
Protein change: p.Gly4149Ala; replaces glycine 4149 with alanine.
Molecular consequence: missense variant.
Genome position (GRCh38, 1-based): chr17:11,934,028, G>C. VCF-style: chr17-11934028-G-C. GRCh37 (hg19) VCF-style: chr17-11837345-G-C.
Other names: c.1382G>C, p.Gly461Ala (NM_004662.2); c.12446G>C (NM_001372.3); short protein forms G4149A, G461A.
Identifiers: ClinVar variation 2413775 (VCV002413775.4), dbSNP rs757478102, ClinGen allele CA8398154.

ClinVar aggregate classification (germline): Uncertain significance. Review status: criteria provided, multiple submitters, no conflicts (2 of 4 stars). 2 submissions from 2 submitters: Uncertain significance (2). Last evaluated 2025-05-15.

Conditions:
Inborn genetic diseases. Identifiers: MedGen C0950123, MeSH D030342.

Allele frequency attached by ClinVar (database versions not stated): ExAC 0.00001; TOPMed 0.00001.
gnomAD v4.1: 3 of 1,614,104 alleles (0.00019%); highest among the groups gnomAD compares: Admixed American, 0.0033%; no homozygotes.

Submissions (2):

Ambry Genetics
Classification: Uncertain significance for Inborn genetic diseases. Last evaluated: 2025-05-15. Review status: criteria provided, single submitter. Criteria: Ambry Variant Classification Scheme 2023. Collection method: clinical testing. Allele origin: germline.

Labcorp Genetics (formerly Invitae), Labcorp
Classification: Uncertain significance. Last evaluated: 2022-06-08. Review status: criteria provided, single submitter. Criteria: Invitae Variant Classification Sherloc (09022015). Collection method: clinical testing. Allele origin: germline.
Comment: This sequence change replaces glycine, which is neutral and non-polar, with alanine, which is neutral and non-polar, at codon 4149 of the DNAH9 protein (p.Gly4149Ala). This variant is present in population databases (rs757478102, gnomAD 0.006%). This variant has not been reported in the literature in individuals affected with DNAH9-related conditions. Algorithms developed to predict the effect of missense changes on protein structure and function are either unavailable or do not agree on the potential impact of this missense change (SIFT: "Tolerated"; PolyPhen-2: "Probably Damaging"; Align-GVGD: "Class C0"). In summary, the available evidence is currently insufficient to determine the role of this variant in disease. Therefore, it has been classified as a Variant of Uncertain Significance.